The following is an entry in ClinVar:

ClinVar aggregate classification (germline): Pathogenic (1 of 4 stars; one submission).

Conditions:
Dystonic disorder. Also called: Dystonia. Identifiers: MedGen C0013421, MONDO:0003441, HP:0001332.

Submission:

Labcorp Genetics (formerly Invitae), Labcorp
Classification: Pathogenic for Dystonic disorder. Last evaluated: 2021-03-23. Review status: criteria provided, single submitter. Criteria: Invitae Variant Classification Sherloc (09022015). Collection method: clinical testing. Allele origin: germline.
Comment: For these reasons, this variant has been classified as Pathogenic. This variant has not been reported in the literature in individuals with GNAL-related conditions. This variant is not present in population databases (ExAC no frequency). This sequence change creates a premature translational stop signal (p.Arg22Glnfs*34) in the GNAL gene. It is expected to result in an absent or disrupted protein product. Loss-of-function variants in GNAL are known to be pathogenic (PMID: 23222958, 27123488).

Literature cited by the submitters: PubMed 23222958; PubMed 27123488.

NM_001369387.1(GNAL):c.55_64dup (p.Arg22fs)

Gene: GNAL (G protein subunit alpha L; plus strand). Cytogenetic location: 18p11.21.
Variant type: Duplication.
Coding change: c.55_64dup on transcript NM_001369387.1 (MANE Plus Clinical); coding-DNA positions 55 to 64, 10 bases duplicated (AAAGAACGAC; older notation c.55_64dupAAAGAACGAC).
Protein change: p.Arg22fs; shifts the reading frame from arginine 22.
Molecular consequence: frameshift variant. On other transcripts: intron variant (1).
Genome position (GRCh38, 1-based): chr18:11,752,488-11,752,497, AAAGAACGAC duplicated. VCF-style (leftmost placement, unchanged base first): chr18-11752487-A-AAAAGAACGAC. GRCh37 (hg19) VCF-style: chr18-11752486-A-AAAAGAACGAC.
Other names: c.55_64dup, p.Arg22fs (NM_001142339.3, NM_001261443.2); c.377-365_377-356dup (NM_182978.4); short protein forms R22fs.
Identifiers: ClinVar variation 1451598 (VCV001451598.6), dbSNP rs2143096767, ClinGen allele CA2573155120.